The following is an entry in ClinVar:

ClinVar aggregate classification (germline): Uncertain significance (1 of 4 stars; one submission).

Submission:

GeneDx
Classification: Uncertain significance. Last evaluated: 2026-03-24. Review status: criteria provided, single submitter. Criteria: GeneDx Variant Classification Process June 2021. Collection method: clinical testing. Allele origin: germline.
Comment: Not observed at significant frequency in large population cohorts (gnomAD); In silico analysis suggests that this missense variant does not alter protein structure/function; Has not been previously published as pathogenic or benign to our knowledge

NM_003482.4(KMT2D):c.3143C>G (p.Pro1048Arg)

Gene: KMT2D (lysine methyltransferase 2D; minus strand). Cytogenetic location: 12q13.12.
Variant type: single nucleotide variant.
Coding change: c.3143C>G on transcript NM_003482.4 (MANE Select); coding-DNA position 3143, C replaced by G.
Protein change: p.Pro1048Arg; replaces proline 1048 with arginine.
Molecular consequence: missense variant.
Genome position (GRCh38, 1-based): chr12:49,050,445, G>C on the plus strand (C>G on the coding strand, the complement: KMT2D is on the minus strand). VCF-style: chr12-49050445-G-C. GRCh37 (hg19) VCF-style: chr12-49444228-G-C.
Other names: short protein forms P1048R.
Identifiers: ClinVar variation 5017112 (VCV005017112.1).